The following is an entry in ClinVar:

ClinVar aggregate classification (germline): Likely benign (1 of 4 stars; one submission).

Conditions:
Jalili syndrome. Also called: CONE-ROD DYSTROPHY AND AMELOGENESIS IMPERFECTA. Identifiers: Orphanet 1873, MedGen C3495589, MONDO:0009007, OMIM 217080.

Allele frequency attached by ClinVar (database versions not stated): gnomAD 0.00002 and 0.00017; TOPMed 0.00003; 1000 Genomes Project 0.00060; 1000 Genomes Project 30x 0.00062.

Submission:

Illumina Laboratory Services, Illumina
Classification: Likely benign for Jalili syndrome. Last evaluated: 2018-01-13. Review status: criteria provided, single submitter. Criteria: ICSL Variant Classification Criteria 13 December 2019. Collection method: clinical testing. Allele origin: germline.
Comment: This variant was observed in the ICSL laboratory as part of a predisposition screen in an ostensibly healthy population. It had not been previously curated by ICSL or reported in the Human Gene Mutation Database (HGMD: prior to June 1st, 2018), and was therefore a candidate for classification through an automated scoring system. Utilizing variant allele frequency, disease prevalence and penetrance estimates, and inheritance mode, an automated score was calculated to assess if this variant is too frequent to cause the disease. Based on the score and internal cut-off values, a variant classified as likely benign is not then subjected to further curation. The score for this variant resulted in a classification of likely benign for this disease.

NM_020184.4(CNNM4):c.*1974C>T

Gene: CNNM4 (cyclin and CBS domain divalent metal cation transport mediator 4; plus strand). Cytogenetic location: 2q11.2.
Variant type: single nucleotide variant.
Coding change: c.*1974C>T on transcript NM_020184.4 (MANE Select); 1974 bases downstream of the stop codon, C replaced by T.
Molecular consequence: 3 prime UTR variant.
Genome position (GRCh38, 1-based): chr2:96,811,491, C>T. VCF-style: chr2-96811491-C-T. GRCh37 (hg19) VCF-style: chr2-97477228-C-T.
Identifiers: ClinVar variation 337616 (VCV000337616.5), dbSNP rs538676167, ClinGen allele CA10614265.
Genomic context (GRCh38, chr2:96,811,491, plus strand): 5'-TGTGCACACGGTTACCACCAACTGGCTGGCCCTCCTCCTCTTCCCTGGCCCATTGATCAT[C>T]CCTTCTCACAGAGGGTCATCATTATTTCCAAATATTGTTTGTCTGATGACTTCCTCTTCC-3'